The following is an entry in ClinVar:

ClinVar aggregate classification (germline): Uncertain significance (1 of 4 stars; one submission).

Conditions:
Long QT syndrome (LQTS). Identifiers: MedGen C0023976, MeSH D008133, MONDO:0002442. Disease mechanism: loss of function. Inheritance: Various modes of inheritance.

Allele frequency attached by ClinVar (database versions not stated): gnomAD exomes below 0.00001.
gnomAD v4.1: 2 of 1,545,576 alleles (0.00013%); no homozygotes.

Submission:

Labcorp Genetics (formerly Invitae), Labcorp
Classification: Uncertain significance for Long QT syndrome. Last evaluated: 2022-07-19. Review status: criteria provided, single submitter. Criteria: Invitae Variant Classification Sherloc (09022015). Collection method: clinical testing. Allele origin: germline.
Comment: This variant has not been reported in the literature in individuals affected with AKAP9-related conditions. This variant is not present in population databases (gnomAD no frequency). This sequence change falls in intron 12 of the AKAP9 gene. It does not directly change the encoded amino acid sequence of the AKAP9 protein. It affects a nucleotide within the consensus splice site. Variants that disrupt the consensus splice site are a relatively common cause of aberrant splicing (PMID: 17576681, 9536098). Algorithms developed to predict the effect of sequence changes on RNA splicing suggest that this variant may disrupt the consensus splice site. In summary, the available evidence is currently insufficient to determine the role of this variant in disease. Therefore, it has been classified as a Variant of Uncertain Significance.

Literature cited by the submitters: PubMed 17576681; PubMed 9536098.

NM_005751.5(AKAP9):c.3837+5G>A

Gene: AKAP9 (A-kinase anchoring protein 9; plus strand). Cytogenetic location: 7q21.2.
Variant type: single nucleotide variant.
Coding change: c.3837+5G>A on transcript NM_005751.5 (MANE Select); 5 bases into the intron after coding-DNA position 3837, G replaced by A.
Molecular consequence: intron variant.
Genome position (GRCh38, 1-based): chr7:92,017,107, G>A. VCF-style: chr7-92017107-G-A. GRCh37 (hg19) VCF-style: chr7-91646421-G-A.
Other names: c.3837+5G>A (NM_147185.3).
Identifiers: ClinVar variation 2018245 (VCV002018245.4), dbSNP rs2484734355, ClinGen allele CA2580077447.